The following is an entry in ClinVar:

ClinVar aggregate classification (germline): Benign/Likely benign. Review status: criteria provided, multiple submitters, no conflicts (2 of 4 stars). 3 submissions from 3 submitters: Benign (1); Likely benign (2). Last evaluated 2026-01-27.

Conditions:
Methylcobalamin deficiency type cblG (HMAG). Also called: HOMOCYSTINURIA-MEGALOBLASTIC ANEMIA DUE TO DEFECT IN COBALAMIN METABOLISM, cblG COMPLEMENTATION TYPE; HOMOCYSTINURIA-MEGALOBLASTIC ANEMIA, cblG COMPLEMENTATION TYPE; Functional methionine synthase deficiency type cblG; HOMOCYSTINURIA-MEGALOBLASTIC ANEMIA, cblG TYPE. Identifiers: Orphanet 2170, Orphanet 622, MedGen C1855128, MONDO:0009609, OMIM 250940.

Submissions (3):

Labcorp Genetics (formerly Invitae), Labcorp
Classification: Benign for Methylcobalamin deficiency type cblG. Last evaluated: 2026-01-27. Review status: criteria provided, single submitter. Criteria: Invitae Variant Classification Sherloc (09022015). Collection method: clinical testing. Allele origin: germline.

Blueprint Genetics
Classification: Likely benign. Last evaluated: 2024-11-26. Review status: criteria provided, single submitter. Criteria: ACMG Guidelines, 2015. Collection method: clinical testing. Allele origin: germline.

GeneDx
Classification: Likely benign. Last evaluated: 2016-02-12. Review status: criteria provided, single submitter. Criteria: GeneDx Variant Classification (06012015). Collection method: clinical testing. Allele origin: germline. Affected: yes.
Comment: This variant is considered likely benign or benign based on one or more of the following criteria: it is a conservative change, it occurs at a poorly conserved position in the protein, it is predicted to be benign by multiple in silico algorithms, and/or has population frequency not consistent with disease.

NM_000254.3(MTR):c.2474-4dup

Gene: MTR (5-methyltetrahydrofolate-homocysteine methyltransferase; plus strand). Cytogenetic location: 1q43.
Variant type: Duplication.
Coding change: c.2474-4dup on transcript NM_000254.3 (MANE Select); 4 bases into the intron before coding-DNA position 2474, one base duplicated (A; older notation c.2474-4dupA).
Molecular consequence: intron variant.
Genome position (GRCh38, 1-based): chr1:236,874,722, A duplicated; the last of 14 consecutive A bases (chr1:236,874,709-236,874,722); duplicating any one gives the same sequence. VCF-style (leftmost placement, unchanged base first): chr1-236874708-T-TA. GRCh37 (hg19) VCF-style: chr1-237038008-T-TA.
Other names: c.2474-4dupA (NM_000254.2); c.2321-4dup (NM_001291939.1); c.1253-4dup (NM_001291940.2).
Identifiers: ClinVar variation 419923 (VCV000419923.9), dbSNP rs546254033, ClinGen allele CA1474420.